The following is an entry in ClinVar:

NM_001291303.3(FAT4):c.11920C>T (p.His3974Tyr)

Gene: FAT4 (FAT atypical cadherin 4; plus strand). Cytogenetic location: 4q28.1.
Variant type: single nucleotide variant.
Coding change: c.11920C>T on transcript NM_001291303.3 (MANE Select); coding-DNA position 11920, C replaced by T.
Protein change: p.His3974Tyr; replaces histidine 3974 with tyrosine.
Molecular consequence: missense variant.
Genome position (GRCh38, 1-based): chr4:125,468,526, C>T. VCF-style: chr4-125468526-C-T. GRCh37 (hg19) VCF-style: chr4-126389681-C-T.
Other names: c.11920C>T, p.His3974Tyr (NM_001291285.3); c.11914C>T, p.His3972Tyr (NM_024582.6); c.11914C>T (NM_024582.5); short protein forms H3974Y, H3972Y.
Identifiers: ClinVar variation 1512918 (VCV001512918.7), dbSNP rs776196417, ClinGen allele CA3073969.

ClinVar aggregate classification (germline): Uncertain significance. Review status: criteria provided, multiple submitters, no conflicts (2 of 4 stars). 2 submissions from 2 submitters: Uncertain significance (2). Last evaluated 2024-06-18.

Conditions:
Van Maldergem syndrome 2 (VMLDS2). Identifiers: Orphanet 314679, MedGen C3809875, MONDO:0014242, OMIM 615546.
Hennekam lymphangiectasia-lymphedema syndrome 2 (HKLLS2). Identifiers: Orphanet 2136, MedGen C4014939, MONDO:0014454, OMIM 616006.

Allele frequency attached by ClinVar (database versions not stated): gnomAD exomes below 0.00001 and 0.00001; ExAC 0.00002; gnomAD 0.00002; TOPMed 0.00003.
gnomAD v4.1: 9 of 1,547,506 alleles (0.00058%); highest among the groups gnomAD compares: African/African-American, 0.0054%; no homozygotes.

Submissions (2):

Fulgent Genetics
Classification: Uncertain significance for Van Maldergem syndrome 2; Hennekam lymphangiectasia-lymphedema syndrome 2. Last evaluated: 2024-06-18. Review status: criteria provided, single submitter. Criteria: ACMG Guidelines, 2015. Collection method: clinical testing. Allele origin: germline.

Labcorp Genetics (formerly Invitae), Labcorp
Classification: Uncertain significance. Last evaluated: 2022-07-08. Review status: criteria provided, single submitter. Criteria: Invitae Variant Classification Sherloc (09022015). Collection method: clinical testing. Allele origin: germline.
Comment: In summary, the available evidence is currently insufficient to determine the role of this variant in disease. Therefore, it has been classified as a Variant of Uncertain Significance. Advanced modeling of protein sequence and biophysical properties (such as structural, functional, and spatial information, amino acid conservation, physicochemical variation, residue mobility, and thermodynamic stability) performed at Invitae indicates that this missense variant is not expected to disrupt FAT4 protein function. ClinVar contains an entry for this variant (Variation ID: 1512918). This variant has not been reported in the literature in individuals affected with FAT4-related conditions. This variant is present in population databases (rs776196417, gnomAD 0.0009%). This sequence change replaces histidine, which is basic and polar, with tyrosine, which is neutral and polar, at codon 3972 of the FAT4 protein (p.His3972Tyr).